The following is an entry in ClinVar:

ClinVar aggregate classification (germline): Uncertain significance (1 of 4 stars; one submission).

gnomAD v4.1: 1 of 1,614,002 alleles (0.000062%); highest among the groups gnomAD compares: Admixed American, 0.0017%; no homozygotes.

Submission:

Labcorp Genetics (formerly Invitae), Labcorp
Classification: Uncertain significance. Last evaluated: 2025-04-14. Review status: criteria provided, single submitter. Criteria: Invitae Variant Classification Sherloc (09022015). Collection method: clinical testing. Allele origin: germline.
Comment: This sequence change replaces alanine, which is neutral and non-polar, with glycine, which is neutral and non-polar, at codon 314 of the CSF2RB protein (p.Ala314Gly). This variant is not present in population databases (gnomAD no frequency). This variant has not been reported in the literature in individuals affected with CSF2RB-related conditions. ClinVar contains an entry for this variant (Variation ID: 3001204). Invitae Evidence Modeling of protein sequence and biophysical properties (such as structural, functional, and spatial information, amino acid conservation, physicochemical variation, residue mobility, and thermodynamic stability) indicates that this missense variant is not expected to disrupt CSF2RB protein function with a negative predictive value of 80%. In summary, the available evidence is currently insufficient to determine the role of this variant in disease. Therefore, it has been classified as a Variant of Uncertain Significance.

NM_000395.3(CSF2RB):c.941C>G (p.Ala314Gly)

Gene: CSF2RB (colony stimulating factor 2 receptor subunit beta; plus strand). Cytogenetic location: 22q12.3.
Variant type: single nucleotide variant.
Coding change: c.941C>G on transcript NM_000395.3 (MANE Select); coding-DNA position 941, C replaced by G.
Protein change: p.Ala314Gly; replaces alanine 314 with glycine.
Molecular consequence: missense variant.
Genome position (GRCh38, 1-based): chr22:36,930,759, C>G. VCF-style: chr22-36930759-C-G. GRCh37 (hg19) VCF-style: chr22-37326801-C-G.
Other names: c.959C>G, p.Ala320Gly (NM_001410827.1); short protein forms A314G, A320G.
Identifiers: ClinVar variation 3001204 (VCV003001204.3), dbSNP rs150251048, ClinGen allele CA411408222.
Genomic context (GRCh38, chr22:36,930,759, plus strand): 5'-GGGAGGGGCTCGGCAGCCTCCACACCAGGCACCACTGCCAGATTCCCGTGCCCGACCCCG[C>G]GACCCACGGCCAATACATCGTCTCTGTTCAGCCAAGGAGGGCAGAGAAACACATAAAGAG-3'
Protein context (NP_000386.1, residues 304-324): HHCQIPVPDP[Ala314Gly]THGQYIVSVQ